The following is an entry in ClinVar:

NM_203290.4(POLR1C):c.149G>T (p.Arg50Leu)

Gene: POLR1C (RNA polymerase I and III subunit C; plus strand). Cytogenetic location: 6p21.1.
Variant type: single nucleotide variant.
Coding change: c.149G>T on transcript NM_203290.4 (MANE Select); coding-DNA position 149, G replaced by T.
Protein change: p.Arg50Leu; replaces arginine 50 with leucine.
Molecular consequence: missense variant.
Genome position (GRCh38, 1-based): chr6:43,519,340, G>T. VCF-style: chr6-43519340-G-T. GRCh37 (hg19) VCF-style: chr6-43487078-G-T.
Other names: c.149G>T, p.Arg50Leu (NM_001318876.2, NM_001363658.2); short protein forms R50L.
Identifiers: ClinVar variation 1920874 (VCV001920874.5), dbSNP rs368486399, ClinGen allele CA3825356.

ClinVar aggregate classification (germline): Uncertain significance (1 of 4 stars; one submission).

gnomAD v4.1: 6 of 1,602,710 alleles (0.00037%); highest among the groups gnomAD compares: Admixed American, 0.0033%; no homozygotes.

Submission:

Labcorp Genetics (formerly Invitae), Labcorp
Classification: Uncertain significance. Last evaluated: 2022-03-26. Review status: criteria provided, single submitter. Criteria: Invitae Variant Classification Sherloc (09022015). Collection method: clinical testing. Allele origin: germline.
Comment: In summary, the available evidence is currently insufficient to determine the role of this variant in disease. Therefore, it has been classified as a Variant of Uncertain Significance. Algorithms developed to predict the effect of missense changes on protein structure and function are either unavailable or do not agree on the potential impact of this missense change (SIFT: "Not Available"; PolyPhen-2: "Benign"; Align-GVGD: "Not Available"). This variant has not been reported in the literature in individuals affected with POLR1C-related conditions. This variant is present in population databases (rs368486399, gnomAD 0.009%). This sequence change replaces arginine, which is basic and polar, with leucine, which is neutral and non-polar, at codon 50 of the POLR1C protein (p.Arg50Leu).